The following is an entry in ClinVar:

NM_033448.3(KRT71):c.650A>G (p.Lys217Arg)

Gene: KRT71 (keratin 71; minus strand). Cytogenetic location: 12q13.13.
Variant type: single nucleotide variant.
Coding change: c.650A>G on transcript NM_033448.3 (MANE Select); coding-DNA position 650, A replaced by G.
Protein change: p.Lys217Arg; replaces lysine 217 with arginine.
Molecular consequence: missense variant.
Genome position (GRCh38, 1-based): chr12:52,550,035, T>C on the plus strand (A>G on the coding strand, the complement: KRT71 is on the minus strand). VCF-style: chr12-52550035-T-C. GRCh37 (hg19) VCF-style: chr12-52943819-T-C.
Other names: c.650A>G (NM_033448.2); short protein forms K217R.
Identifiers: ClinVar variation 3604636 (VCV003604636.4).

ClinVar aggregate classification (germline): Uncertain significance. Review status: criteria provided, multiple submitters, no conflicts (2 of 4 stars). 3 submissions from 3 submitters: Uncertain significance (3). Last evaluated 2025-05-19.

Conditions:
Hypotrichosis 13 (HYPT13). Also called: HYPOTRICHOSIS WITH WOOLLY HAIR. Identifiers: Orphanet 170, MedGen C4014616, MONDO:0014390, OMIM 615896.

gnomAD v4.1: 187 of 1,614,110 alleles (0.012%); highest among the groups gnomAD compares: Non-Finnish European, 0.015%; no homozygotes.

Submissions (3):

Ambry Genetics
Classification: Uncertain significance. Last evaluated: 2025-05-19. Review status: criteria provided, single submitter. Criteria: Ambry Variant Classification Scheme 2023. Collection method: clinical testing. Allele origin: germline.

Labcorp Genetics (formerly Invitae), Labcorp
Classification: Uncertain significance. Last evaluated: 2024-12-10. Review status: criteria provided, single submitter. Criteria: Invitae Variant Classification Sherloc (09022015). Collection method: clinical testing. Allele origin: germline.
Comment: This sequence change replaces lysine, which is basic and polar, with arginine, which is basic and polar, at codon 217 of the KRT71 protein (p.Lys217Arg). This variant is present in population databases (rs144642438, gnomAD 0.01%). This variant has not been reported in the literature in individuals affected with KRT71-related conditions. Invitae Evidence Modeling of protein sequence and biophysical properties (such as structural, functional, and spatial information, amino acid conservation, physicochemical variation, residue mobility, and thermodynamic stability) indicates that this missense variant is not expected to disrupt KRT71 protein function with a negative predictive value of 80%. In summary, the available evidence is currently insufficient to determine the role of this variant in disease. Therefore, it has been classified as a Variant of Uncertain Significance.

Department of Pathology and Laboratory Medicine, Sinai Health System
Classification: Uncertain significance for Hypotrichosis 13. Last evaluated: 2021-07-30. Review status: criteria provided, single submitter. Criteria: ACMG Guidelines, 2015. Collection method: research. Allele origin: germline.